The following is an entry in ClinVar:

ClinVar aggregate classification (germline): Uncertain significance (1 of 4 stars; one submission).

Conditions:
Joubert syndrome. Also called: CEREBELLOPARENCHYMAL DISORDER IV; JOUBERT-BOLTSHAUSER SYNDROME; Familial aplasia of the vermis. Identifiers: Orphanet 475, MedGen C5979921, MONDO:0018772.
Nephronophthisis. Also called: Juvenile Nephronophthisis. Identifiers: Orphanet 655, MedGen C0687120, MONDO:0019005, HP:0000090.
Meckel-Gruber syndrome. Also called: DYSENCEPHALIA SPLANCHNOCYSTICA; GRUBER SYNDROME; Dysencephalia splachnocystica. Identifiers: Orphanet 564, MedGen C0265215, MONDO:0018921.

Submission:

Labcorp Genetics (formerly Invitae), Labcorp
Classification: Uncertain significance for Joubert syndrome; Meckel-Gruber syndrome; Nephronophthisis. Last evaluated: 2021-12-03. Review status: criteria provided, single submitter. Criteria: Invitae Variant Classification Sherloc (09022015). Collection method: clinical testing. Allele origin: germline.
Comment: This variant, c.6048_6050del, results in the deletion of 1 amino acid(s) of the CEP290 protein (p.Glu2016del), but otherwise preserves the integrity of the reading frame. This variant is present in population databases (no rsID available, gnomAD 0.03%). This variant has not been reported in the literature in individuals affected with CEP290-related conditions. Experimental studies and prediction algorithms are not available or were not evaluated, and the functional significance of this variant is currently unknown. In summary, the available evidence is currently insufficient to determine the role of this variant in disease. Therefore, it has been classified as a Variant of Uncertain Significance.

NM_025114.4(CEP290):c.6045AGA[1] (p.Glu2016del)

Gene: CEP290 (centrosomal protein 290; minus strand). Cytogenetic location: 12q21.32.
Variant type: Microsatellite.
Coding change: c.6045AGA[1] on transcript NM_025114.4 (MANE Select); one copy of the 3-base unit AGA starting at c.6045; the reference has two copies in a row; one copy, 3 bases deleted.
Protein change: p.Glu2016del; deletes glutamic acid 2016.
Molecular consequence: inframe deletion.
Genome position (GRCh38, 1-based): chr12:88,068,607-88,068,609, TCT deleted on the plus strand (AGA on the coding strand, the reverse complement: CEP290 is on the minus strand); deleting any 3 consecutive bases within chr12:88,068,607-88,068,612 gives the same sequence; the position shown is the placement nearest the transcript's 3' end. VCF-style (leftmost placement, unchanged base first): chr12-88068606-ATCT-A. GRCh37 (hg19) VCF-style: chr12-88462383-ATCT-A.
Other names: short protein forms E2016del.
Identifiers: ClinVar variation 1440395 (VCV001440395.3), dbSNP rs1481875615, ClinGen allele CA606452469.
Genomic context (GRCh38, chr12:88,068,606, plus strand): 5'-TGAAAACTGTTTTTCTAAAGCATGAAGTTTTTCTTGGAGGTATCTATTTTGTAAATGTAA[ATCT>A]TCTACAACAGAATCTCGAGGAAGAGCTTGGTGGGCCCTATGAACAACAATCACAGACTCT-3'